The following is an entry in ClinVar:

NM_000334.4(SCN4A):c.4018-246_4018-245insAGGGGGTCCCCGGGGAGG

Genes: GH-LCR (growth hormone locus control region; plus strand), SCN4A (sodium voltage-gated channel alpha subunit 4; minus strand). Cytogenetic location: 17q23.3.
Variant type: Insertion.
Coding change: c.4018-246_4018-245insAGGGGGTCCCCGGGGAGG on transcript NM_000334.4 (MANE Select); 246 bases into the intron before coding-DNA position 4018 through 245 bases into the intron before coding-DNA position 4018, AGGGGGTCCCCGGGGAGG inserted.
Molecular consequence: intron variant.
Genome position: GRCh38 VCF-style: chr17-63943341-T-TCCCTCCTCCCCGGGGACC. GRCh37 (hg19) VCF-style: chr17-62020701-T-TCCCTCCTCCCCGGGGACC.
Other names: c.4018-246_4018-245insGGTCCCCGGGGAGGAGGG (NM_000334.4).
Identifiers: ClinVar variation 669357 (VCV000669357.1), dbSNP rs147283432, ClinGen allele CA292958524.

ClinVar aggregate classification (germline): Benign (1 of 4 stars; one submission).

Submission:

GeneDx
Classification: Benign. Last evaluated: 2018-06-14. Review status: criteria provided, single submitter. Criteria: GeneDx Variant Classification (06012015). Collection method: clinical testing. Allele origin: germline. Affected: yes.
Comment: This variant is considered likely benign or benign based on one or more of the following criteria: it is a conservative change, it occurs at a poorly conserved position in the protein, it is predicted to be benign by multiple in silico algorithms, and/or has population frequency not consistent with disease.